The following is an entry in ClinVar:

ClinVar aggregate classification (germline): Uncertain significance (1 of 4 stars; one submission).

Conditions:
Leigh syndrome (NULS). Also called: Leigh's necrotizing encephalopathy; Leigh's disease; Leigh Syndrome (mtDNA deletion); Leigh Disease; Subacute necrotizing encephalopathy; Necrotizing encephalopathy infantile subacute of Leigh. Identifiers: Orphanet 506, MedGen C2931891, MONDO:0009723, OMIM 256000.

Submission:

Wong Mito Lab, Molecular and Human Genetics, Baylor College of Medicine
Classification: Uncertain significance for Leigh syndrome. Last evaluated: 2019-10-17. Review status: criteria provided, single submitter. Criteria: Modified ACMG Guidelines (Unpublished). Collection method: clinical testing. Allele origin: germline.
Comment: The NC_012920.1:m.6987T>G (YP_003024028.1:p.Ser362Ala) variant in MTCO1 gene is interpretated to be a Uncertain Significance variant based on the modified ACMG guidelines (unpublished). This variant meets the following evidence codes: PP3, PP7

NC_012920.1(MT-CO1):m.6987T>G

Gene: MT-CO1 (mitochondrially encoded cytochrome c oxidase I; plus strand).
Variant type: single nucleotide variant.
Genome position: chrM-6987-T-G.
Identifiers: ClinVar variation 692690 (VCV000692690.1), dbSNP rs1603220727, ClinGen allele CA414790488.
Genomic context (GRCh38, chrMT:6,987, plus strand): 5'-CTAGGATTCATCTTTCTTTTCACCGTAGGTGGCCTGACTGGCATTGTATTAGCAAACTCA[T>G]CACTAGACATCGTACTACACGACACGTACTACGTTGTAGCCCACTTCCACTATGTCCTAT-3'